The following is an entry in ClinVar:

NM_000572.3(IL10):c.383G>T (p.Arg128Leu)

Gene: IL10 (interleukin 10; minus strand). Cytogenetic location: 1q32.1.
Variant type: single nucleotide variant.
Coding change: c.383G>T on transcript NM_000572.3 (MANE Select); coding-DNA position 383, G replaced by T.
Protein change: p.Arg128Leu; replaces arginine 128 with leucine.
Molecular consequence: missense variant. On other transcripts: non-coding transcript variant (2).
Genome position (GRCh38, 1-based): chr1:206,769,890, C>A on the plus strand (G>T on the coding strand, the complement: IL10 is on the minus strand). VCF-style: chr1-206769890-C-A. GRCh37 (hg19) VCF-style: chr1-206943235-C-A.
Other names: c.128G>T, p.Arg43Leu (NM_001382624.1); short protein forms R43L, R128L.
Identifiers: ClinVar variation 949531 (VCV000949531.7), dbSNP rs760677075, ClinGen allele CA1363748.

ClinVar aggregate classification (germline): Uncertain significance (1 of 4 stars; one submission).

Conditions:
Inflammatory bowel disease. Identifiers: Orphanet 104012, MedGen C0021390, MONDO:0005265, HP:0002037.

Allele frequency attached by ClinVar (database versions not stated): gnomAD 0.00001; TOPMed 0.00003; ExAC 0.00015.
gnomAD v4.1: 27 of 1,613,448 alleles (0.0017%); highest among the groups gnomAD compares: Admixed American, 0.033%; no homozygotes.

Submission:

Labcorp Genetics (formerly Invitae), Labcorp
Classification: Uncertain significance for Inflammatory bowel disease. Last evaluated: 2022-02-08. Review status: criteria provided, single submitter. Criteria: Invitae Variant Classification Sherloc (09022015). Collection method: clinical testing. Allele origin: germline.
Comment: This sequence change replaces arginine, which is basic and polar, with leucine, which is neutral and non-polar, at codon 128 of the IL10 protein (p.Arg128Leu). This variant is present in population databases (rs760677075, gnomAD 0.03%). This variant has not been reported in the literature in individuals affected with IL10-related conditions. ClinVar contains an entry for this variant (Variation ID: 949531). Algorithms developed to predict the effect of missense changes on protein structure and function are either unavailable or do not agree on the potential impact of this missense change (SIFT: "Deleterious"; PolyPhen-2: "Possibly Damaging"; Align-GVGD: "Class C15"). In summary, the available evidence is currently insufficient to determine the role of this variant in disease. Therefore, it has been classified as a Variant of Uncertain Significance.